The following is an entry in ClinVar:

ClinVar aggregate classification (germline): Benign. Review status: criteria provided, multiple submitters, no conflicts (2 of 4 stars). 5 submissions from 5 submitters: Benign (4). 1 of the submissions does not count toward it. Last evaluated 2026-02-02.

Conditions:
Orthostatic hypotension 1 (ORTHYP1). Also called: Dopamine beta-hydroxylase deficiency; Orthostatic hypotension 1, due to DBH deficiency; NORADRENALINE DEFICIENCY; NOREPINEPHRINE DEFICIENCY. Identifiers: Orphanet 230, MedGen C4746777, MONDO:0009123, OMIM 223360.
DBH-related disorder. Also called: DBH-related condition.

Allele frequency attached by ClinVar (database versions not stated): gnomAD exomes 0.06739; ExAC 0.06967; gnomAD 0.08497 and 0.08535; ESP Exome Variant Server 0.08588; TOPMed 0.08899; 1000 Genomes Project 0.10184; 1000 Genomes Project 30x 0.10353.
gnomAD v4.1: 96,610 of 1,613,986 alleles (6%); highest among the groups gnomAD compares: African/African-American, 16%; 3,671 homozygotes.

Submissions (5):

Labcorp Genetics (formerly Invitae), Labcorp
Classification: Benign for Orthostatic hypotension 1. Last evaluated: 2026-02-02. Review status: criteria provided, single submitter. Criteria: Invitae Variant Classification Sherloc (09022015). Collection method: clinical testing. Allele origin: germline.

GeneDx
Classification: Benign. Last evaluated: 2021-05-04. Review status: criteria provided, single submitter. Criteria: GeneDx Variant Classification Process June 2021. Collection method: clinical testing. Allele origin: germline. Affected: yes.

Illumina Laboratory Services, Illumina
Classification: Benign for Orthostatic hypotension 1. Last evaluated: 2018-01-13. Review status: criteria provided, single submitter. Criteria: ICSL Variant Classification Criteria 13 December 2019. Collection method: clinical testing. Allele origin: germline.
Comment: This variant was observed in the ICSL laboratory as part of a predisposition screen in an ostensibly healthy population. It had not been previously curated by ICSL or reported in the Human Gene Mutation Database (HGMD: prior to June 1st, 2018), and was therefore a candidate for classification through an automated scoring system. Utilizing variant allele frequency, disease prevalence and penetrance estimates, and inheritance mode, an automated score was calculated to assess if this variant is too frequent to cause the disease. Based on the score and internal cut-off values, a variant classified as benign is not then subjected to further curation. The score for this variant resulted in a classification of benign for this disease.

Breakthrough Genomics
Classification: Benign. Review status: criteria provided, single submitter. Criteria: ACMG Guidelines, 2015. Collection method: not provided. Allele origin: germline. Inheritance: Autosomal recessive inheritance. Affected: yes.

PreventionGenetics, part of Exact Sciences
Classification: Benign for DBH-related condition. Last evaluated: 2019-10-24. Review status: no assertion criteria provided. Collection method: clinical testing. Allele origin: germline. Not counted in ClinVar's aggregate classification.
Comment: This variant is classified as benign based on ACMG/AMP sequence variant interpretation guidelines (Richards et al. 2015 PMID: 25741868, with internal and published modifications).

NM_000787.4(DBH):c.631G>A (p.Ala211Thr)

Gene: DBH (dopamine beta-hydroxylase; plus strand). Cytogenetic location: 9q34.2.
Variant type: single nucleotide variant.
Coding change: c.631G>A on transcript NM_000787.4 (MANE Select); coding-DNA position 631, G replaced by A.
Protein change: p.Ala211Thr; replaces alanine 211 with threonine.
Molecular consequence: missense variant.
Genome position (GRCh38, 1-based): chr9:133,642,351, G>A. VCF-style: chr9-133642351-G-A. GRCh37 (hg19) VCF-style: chr9-136507473-G-A.
Other names: short protein forms A211T.
Identifiers: ClinVar variation 365641 (VCV000365641.18), dbSNP rs5320, ClinGen allele CA5313145.